The following is an entry in ClinVar:

ClinVar aggregate classification (germline): Uncertain significance (1 of 4 stars; one submission).

Conditions:
TH-deficient dopa-responsive dystonia. Also called: Tyrosine Hydroxylase-Deficient Dopa-Responsive Dystonia; Segawa syndrome, autosomal recessive; DYT-TH. Identifiers: Orphanet 101150, MedGen C2673535, MONDO:0011551, OMIM 605407.

Allele frequency attached by ClinVar (database versions not stated): TOPMed below 0.00001.

Submission:

Labcorp Genetics (formerly Invitae), Labcorp
Classification: Uncertain significance for TH-deficient dopa-responsive dystonia. Last evaluated: 2021-08-15. Review status: criteria provided, single submitter. Criteria: Invitae Variant Classification Sherloc (09022015). Collection method: clinical testing. Allele origin: germline.
Comment: This sequence change replaces leucine with valine at codon 144 of the TH protein (p.Leu144Val). The leucine residue is highly conserved and there is a small physicochemical difference between leucine and valine. This variant is not present in population databases (ExAC no frequency). This variant has not been reported in the literature in individuals affected with TH-related conditions. Advanced modeling of protein sequence and biophysical properties (such as structural, functional, and spatial information, amino acid conservation, physicochemical variation, residue mobility, and thermodynamic stability) performed at Invitae indicates that this missense variant is not expected to disrupt TH protein function. In summary, the available evidence is currently insufficient to determine the role of this variant in disease. Therefore, it has been classified as a Variant of Uncertain Significance.

NM_000360.4(TH):c.337C>G (p.Leu113Val)

Gene: TH (tyrosine hydroxylase; minus strand). Cytogenetic location: 11p15.5.
Variant type: single nucleotide variant.
Coding change: c.337C>G on transcript NM_000360.4 (MANE Select); coding-DNA position 337, C replaced by G.
Protein change: p.Leu113Val; replaces leucine 113 with valine.
Molecular consequence: missense variant.
Genome position (GRCh38, 1-based): chr11:2,168,641, G>C on the plus strand (C>G on the coding strand, the complement: TH is on the minus strand). VCF-style: chr11-2168641-G-C. GRCh37 (hg19) VCF-style: chr11-2189871-G-C.
Other names: c.430C>G, p.Leu144Val (NM_199292.3); c.418C>G, p.Leu140Val (NM_199293.3); short protein forms L113V, L140V, L144V.
Identifiers: ClinVar variation 1375110 (VCV001375110.6), dbSNP rs1846169186, ClinGen allele CA379129328.